The following is an entry in ClinVar:

ClinVar aggregate classification (germline): Uncertain significance. Review status: criteria provided, multiple submitters, no conflicts (2 of 4 stars). 2 submissions from 2 submitters: Uncertain significance (2). Last evaluated 2022-09-28.

Conditions:
Hereditary cancer-predisposing syndrome. Also called: Hereditary neoplastic syndrome; Neoplastic Syndromes, Hereditary; Hereditary Cancer Syndrome; Tumor predisposition. Identifiers: Orphanet 140162, MedGen C0027672, MeSH D009386, MONDO:0015356.

Submissions (2):

Labcorp Genetics (formerly Invitae), Labcorp
Classification: Uncertain significance. Last evaluated: 2022-09-28. Review status: criteria provided, single submitter. Criteria: Invitae Variant Classification Sherloc (09022015). Collection method: clinical testing. Allele origin: germline.
Comment: In summary, the available evidence is currently insufficient to determine the role of this variant in disease. Therefore, it has been classified as a Variant of Uncertain Significance. Algorithms developed to predict the effect of missense changes on protein structure and function are either unavailable or do not agree on the potential impact of this missense change (SIFT: "Deleterious"; PolyPhen-2: "Possibly Damaging"; Align-GVGD: "Class C0"). This variant has not been reported in the literature in individuals affected with MSH3-related conditions. This variant is not present in population databases (gnomAD no frequency). This sequence change replaces lysine, which is basic and polar, with glutamine, which is neutral and polar, at codon 1085 of the MSH3 protein (p.Lys1085Gln).

Ambry Genetics
Classification: Uncertain significance for Hereditary cancer-predisposing syndrome. Last evaluated: 2021-03-18. Review status: criteria provided, single submitter. Criteria: Ambry Variant Classification Scheme 2023. Collection method: clinical testing. Allele origin: germline.
Comment: The p.K1085Q variant (also known as c.3253A>C), located in coding exon 23 of the MSH3 gene, results from an A to C substitution at nucleotide position 3253. The lysine at codon 1085 is replaced by glutamine, an amino acid with similar properties. This amino acid position is not well conserved in available vertebrate species. In addition, the in silico prediction for this alteration is inconclusive. Since supporting evidence is limited at this time, the clinical significance of this alteration remains unclear.

NM_002439.5(MSH3):c.3253A>C (p.Lys1085Gln)

Gene: MSH3 (mutS homolog 3; plus strand). Cytogenetic location: 5q14.1.
Variant type: single nucleotide variant.
Coding change: c.3253A>C on transcript NM_002439.5 (MANE Select); coding-DNA position 3253, A replaced by C.
Protein change: p.Lys1085Gln; replaces lysine 1085 with glutamine.
Molecular consequence: missense variant.
Genome position (GRCh38, 1-based): chr5:80,873,238, A>C. VCF-style: chr5-80873238-A-C. GRCh37 (hg19) VCF-style: chr5-80169057-A-C.
Other names: short protein forms K1085Q.
Identifiers: ClinVar variation 1720563 (VCV001720563.8), dbSNP rs1580104425, ClinGen allele CA360347034.